The following is an entry in ClinVar:

ClinVar aggregate classification (germline): Pathogenic. Review status: criteria provided, single submitter (1 of 4 stars). 2 submissions from 2 submitters: Pathogenic (1). 1 of the submissions does not count toward it. Last evaluated 2023-02-20.

Conditions:
6-Pyruvoyl-tetrahydrobiopterin synthase deficiency. Also called: PTS DEFICIENCY; HYPERPHENYLALANINEMIA, TETRAHYDROBIOPTERIN-DEFICIENT, DUE TO PTS DEFICIENCY; Hyperphenylalanemia, BH4-deficient, A; Hyperphenylalaninemia due to 6-pyruvoyl-tetrahydropterin synthase deficiency; 6-Pyruvoyltetrahydropterin Synthase Deficiency; BH4-deficient hyperphenylalaninemia A. Identifiers: Orphanet 13, Orphanet 238583, MedGen C0878676, MONDO:0009863, OMIM 261640.

Allele frequency attached by ClinVar (database versions not stated): gnomAD exomes below 0.00001.
gnomAD v4.1: 4 of 1,614,086 alleles (0.00025%); highest among the groups gnomAD compares: Non-Finnish European, 0.00034%; no homozygotes.

Submissions (2):

Labcorp Genetics (formerly Invitae), Labcorp
Classification: Pathogenic for 6-Pyruvoyl-tetrahydrobiopterin synthase deficiency. Last evaluated: 2023-02-20. Review status: criteria provided, single submitter. Criteria: Invitae Variant Classification Sherloc (09022015). Collection method: clinical testing. Allele origin: germline.
Comment: For these reasons, this variant has been classified as Pathogenic. An algorithm developed to predict the effect of missense changes on protein structure and function (PolyPhen-2) suggests that this variant is likely to be tolerated. ClinVar contains an entry for this variant (Variation ID: 553441). This missense change has been observed in individual(s) with tetrahydrobiopterin-deficient hyperphenylalaninemia (PMID: 10874306, 28057123). In at least one individual the data is consistent with being in trans (on the opposite chromosome) from a pathogenic variant. This variant is not present in population databases (gnomAD no frequency). This sequence change replaces tyrosine, which is neutral and polar, with cysteine, which is neutral and slightly polar, at codon 99 of the PTS protein (p.Tyr99Cys).

Counsyl
Classification: Uncertain significance for 6-Pyruvoyl-tetrahydrobiopterin synthase deficiency. Last evaluated: 2017-08-18. Review status: no assertion criteria provided. Collection method: clinical testing. Allele origin: unknown. Not counted in ClinVar's aggregate classification.

Literature cited by the submitters: PubMed 10874306 (cited by Labcorp Genetics (formerly Invitae), Labcorp and Counsyl); PubMed 28057123 (cited by Labcorp Genetics (formerly Invitae), Labcorp).

NM_000317.3(PTS):c.296A>G (p.Tyr99Cys)

Gene: PTS (6-pyruvoyltetrahydropterin synthase; plus strand). Cytogenetic location: 11q23.1.
Variant type: single nucleotide variant.
Coding change: c.296A>G on transcript NM_000317.3 (MANE Select); coding-DNA position 296, A replaced by G.
Protein change: p.Tyr99Cys; replaces tyrosine 99 with cysteine.
Molecular consequence: missense variant.
Genome position (GRCh38, 1-based): chr11:112,233,215, A>G. VCF-style: chr11-112233215-A-G. GRCh37 (hg19) VCF-style: chr11-112103938-A-G.
Other names: short protein forms Y99C.
Identifiers: ClinVar variation 553441 (VCV000553441.5), dbSNP rs1555198458, ClinGen allele CA382627883.